The following is an entry in ClinVar:

NM_007325.5(GRIA3):c.2605G>A (p.Ala869Thr)

Gene: GRIA3 (glutamate ionotropic receptor AMPA type subunit 3; plus strand). Cytogenetic location: Xq25.
Variant type: single nucleotide variant.
Coding change: c.2605G>A on transcript NM_007325.5 (MANE Select); coding-DNA position 2605, G replaced by A.
Protein change: p.Ala869Thr; replaces alanine 869 with threonine.
Molecular consequence: missense variant.
Genome position (GRCh38, 1-based): chrX:123,482,964, G>A. VCF-style: chrX-123482964-G-A. GRCh37 (hg19) VCF-style: chrX-122616815-G-A.
Other names: c.2605G>A, p.Ala869Thr (NM_000828.5); short protein forms A869T.
Identifiers: ClinVar variation 2136001 (VCV002136001.1), dbSNP rs2521368502, ClinGen allele CA414256205.
Genomic context (GRCh38, chrX:123,482,964, plus strand): 5'-AAATCACGGGCAGAGTCCAAACGCATGAAACTCACAAAGAACACCCAAAACTTTAAGCCT[G>A]CTCCTGCCACCAACACTCAGAATTATGCTACATACAGAGAAGGCTACAACGTGTATGGAA-3'
Protein context (NP_015564.5, residues 859-879): LTKNTQNFKP[Ala869Thr]PATNTQNYAT

ClinVar aggregate classification (germline): Uncertain significance (1 of 4 stars; one submission).

Submission:

GeneDx
Classification: Uncertain significance. Last evaluated: 2022-07-13. Review status: criteria provided, single submitter. Criteria: GeneDx Variant Classification Process June 2021. Collection method: clinical testing. Allele origin: germline. Affected: yes.
Comment: Not observed at significant frequency in large population cohorts (gnomAD); In silico analysis supports that this missense variant does not alter protein structure/function; Has not been previously published as pathogenic or benign to our knowledge